The following is an entry in ClinVar:

ClinVar aggregate classification (germline): Uncertain significance (1 of 4 stars; one submission).

Conditions:
Hereditary cancer-predisposing syndrome. Also called: Neoplastic Syndromes, Hereditary; Tumor predisposition; Hereditary Cancer Syndrome; Hereditary neoplastic syndrome. Identifiers: Orphanet 140162, MedGen C0027672, MeSH D009386, MONDO:0015356.

Allele frequency attached by ClinVar (database versions not stated): TOPMed below 0.00001.

Submission:

Ambry Genetics
Classification: Uncertain significance for Hereditary cancer-predisposing syndrome. Last evaluated: 2021-11-16. Review status: criteria provided, single submitter. Criteria: Ambry Variant Classification Scheme 2023. Collection method: clinical testing. Allele origin: germline.
Comment: The p.M127I variant (also known as c.381G>T), located in coding exon 3 of the STK11 gene, results from a G to T substitution at nucleotide position 381. The methionine at codon 127 is replaced by isoleucine, an amino acid with highly similar properties. This amino acid position is highly conserved in available vertebrate species. In addition, the in silico prediction for this alteration is inconclusive. Since supporting evidence is limited at this time, the clinical significance of this alteration remains unclear.

NM_000455.5(STK11):c.381G>T (p.Met127Ile)

Gene: STK11 (serine/threonine kinase 11; plus strand). Cytogenetic location: 19p13.3.
Variant type: single nucleotide variant.
Coding change: c.381G>T on transcript NM_000455.5 (MANE Select); coding-DNA position 381, G replaced by T.
Protein change: p.Met127Ile; replaces methionine 127 with isoleucine.
Molecular consequence: missense variant.
Genome position (GRCh38, 1-based): chr19:1,219,330, G>T. VCF-style: chr19-1219330-G-T. GRCh37 (hg19) VCF-style: chr19-1219329-G-T.
Other names: short protein forms M127I.
Identifiers: ClinVar variation 485022 (VCV000485022.5), dbSNP rs1555737753, ClinGen allele CA402948103.